The following is an entry in ClinVar:

ClinVar aggregate classification (germline): Likely benign (0 of 4 stars; one submission).

Conditions:
LRRK1-related disorder. Also called: LRRK1-related condition.

Submission:

PreventionGenetics, part of Exact Sciences
Classification: Likely benign for LRRK1-related condition. Last evaluated: 2019-08-13. Review status: no assertion criteria provided. Collection method: clinical testing. Allele origin: germline.
Comment: This variant is classified as likely benign based on ACMG/AMP sequence variant interpretation guidelines (Richards et al. 2015 PMID: 25741868, with internal and published modifications).

NM_024652.6(LRRK1):c.1281+10A>T

Gene: LRRK1 (leucine rich repeat kinase 1; plus strand). Cytogenetic location: 15q26.3.
Variant type: single nucleotide variant.
Coding change: c.1281+10A>T on transcript NM_024652.6 (MANE Select); 10 bases into the intron after coding-DNA position 1281, A replaced by T.
Molecular consequence: intron variant.
Genome position (GRCh38, 1-based): chr15:101,010,847, A>T. VCF-style: chr15-101010847-A-T. GRCh37 (hg19) VCF-style: chr15-101551052-A-T.
Identifiers: ClinVar variation 3043068 (VCV003043068.2), dbSNP rs1389263769, ClinGen allele CA2630641401.